The following is an entry in ClinVar:

NM_016507.4(CDK12):c.994T>C (p.Ser332Pro)

Genes: CDK12 (cyclin dependent kinase 12; plus strand), LOC126862553 (CDK7 strongly-dependent group 2 enhancer GRCh37_chr17:37618166-37619365; plus strand). Cytogenetic location: 17q12.
Variant type: single nucleotide variant.
Coding change: c.994T>C on transcript NM_016507.4 (MANE Select); coding-DNA position 994, T replaced by C.
Protein change: p.Ser332Pro; replaces serine 332 with proline.
Molecular consequence: missense variant.
Genome position (GRCh38, 1-based): chr17:39,463,065, T>C. VCF-style: chr17-39463065-T-C. GRCh37 (hg19) VCF-style: chr17-37619318-T-C.
Other names: c.994T>C, p.Ser332Pro (NM_015083.4); short protein forms S332P.
Identifiers: ClinVar variation 4825949 (VCV004825949.1).

ClinVar aggregate classification (germline): Uncertain significance (1 of 4 stars; one submission).

Submission:

Ambry Genetics
Classification: Uncertain significance. Last evaluated: 2026-03-03. Review status: criteria provided, single submitter. Criteria: Ambry Variant Classification Scheme 2023. Collection method: clinical testing. Allele origin: germline.
Comment: The p.S332P variant (also known as c.994T>C), located in coding exon 1 of the CDK12 gene, results from a T to C substitution at nucleotide position 994. The serine at codon 332 is replaced by proline, an amino acid with similar properties. This amino acid position is conserved. In addition, the in silico prediction for this alteration is inconclusive. Based on the available evidence, the clinical significance of this variant remains unclear.